The following is an entry in ClinVar:

NM_020745.4(AARS2):c.1595A>G (p.Glu532Gly)

Gene: AARS2 (alanyl-tRNA synthetase 2, mitochondrial; minus strand). Cytogenetic location: 6p21.1.
Variant type: single nucleotide variant.
Coding change: c.1595A>G on transcript NM_020745.4 (MANE Select); coding-DNA position 1595, A replaced by G.
Protein change: p.Glu532Gly; replaces glutamic acid 532 with glycine.
Molecular consequence: missense variant.
Genome position (GRCh38, 1-based): chr6:44,304,802, T>C on the plus strand (A>G on the coding strand, the complement: AARS2 is on the minus strand). VCF-style: chr6-44304802-T-C. GRCh37 (hg19) VCF-style: chr6-44272539-T-C.
Other names: c.1595A>G (NM_020745.2); short protein forms E532G.
Identifiers: ClinVar variation 1431504 (VCV001431504.7), dbSNP rs150729948, ClinGen allele CA3834266.
Genomic context (GRCh38, chr6:44,304,802, plus strand): 5'-CCTTTCCCCACGGAGGCCACTGCTGTCCCGTCCTCTGTATACAGTTGCAACACCTGGGCC[T>C]CACAGGTGCCGAACTCTGCCAGGGCACAGAATGGTTATTAGTGGTGGGCAGGGGCTGGGG-3'
Protein context (NP_065796.2, residues 522-542): PSGSYEFGTC[Glu532Gly]AQVLQLYTED

ClinVar aggregate classification (germline): Uncertain significance. Review status: criteria provided, multiple submitters, no conflicts (2 of 4 stars). 2 submissions from 2 submitters: Uncertain significance (2). Last evaluated 2024-12-04.

Conditions:
Inborn genetic diseases. Identifiers: MedGen C0950123, MeSH D030342.

Allele frequency attached by ClinVar (database versions not stated): ExAC 0.00002; gnomAD 0.00004; gnomAD exomes 0.00004 and 0.00009; TOPMed 0.00006; ESP Exome Variant Server 0.00008.
gnomAD v4.1: 134 of 1,614,004 alleles (0.0083%); highest among the groups gnomAD compares: Non-Finnish European, 0.011%; no homozygotes.

Submissions (2):

Ambry Genetics
Classification: Uncertain significance for Inborn genetic diseases. Last evaluated: 2024-12-04. Review status: criteria provided, single submitter. Criteria: Ambry Variant Classification Scheme 2023. Collection method: clinical testing. Allele origin: germline.

Labcorp Genetics (formerly Invitae), Labcorp
Classification: Uncertain significance. Last evaluated: 2022-02-05. Review status: criteria provided, single submitter. Criteria: Invitae Variant Classification Sherloc (09022015). Collection method: clinical testing. Allele origin: germline.
Comment: This sequence change replaces glutamic acid, which is acidic and polar, with glycine, which is neutral and non-polar, at codon 532 of the AARS2 protein (p.Glu532Gly). This variant is present in population databases (rs150729948, gnomAD 0.008%). This variant has not been reported in the literature in individuals affected with AARS2-related conditions. Advanced modeling of protein sequence and biophysical properties (such as structural, functional, and spatial information, amino acid conservation, physicochemical variation, residue mobility, and thermodynamic stability) performed at Invitae indicates that this missense variant is not expected to disrupt AARS2 protein function. In summary, the available evidence is currently insufficient to determine the role of this variant in disease. Therefore, it has been classified as a Variant of Uncertain Significance.